The following is an entry in ClinVar:

ClinVar aggregate classification (germline): Likely pathogenic (1 of 4 stars; one submission).

Conditions:
Cardiovascular phenotype. Identifiers: MedGen CN230736.

Submission:

Ambry Genetics
Classification: Likely pathogenic for Cardiovascular phenotype. Last evaluated: 2022-11-03. Review status: criteria provided, single submitter. Criteria: Ambry Variant Classification Scheme 2023. Collection method: clinical testing. Allele origin: germline.
Comment: The c.60186_60229dup44 variant, located in coding exon 155 of the TTN gene, results from a duplication of AGCTTTCATTAACATTGTTGTGCTAGACAGGCCTGGTCCTCCAA at nucleotide position 60186, causing a translational frameshift with a predicted alternate stop codon (p.T20077Kfs*9). This exon is located in the A-band region of the N2-B isoform of the titin protein and is constitutively expressed in TTN transcripts (percent spliced in or PSI 100%). This variant is considered to be rare based on population cohorts in the Genome Aggregation Database (gnomAD). This alteration is expected to result in loss of function by premature protein truncation or nonsense-mediated mRNA decay. While truncating variants in TTN are present in 1-3% of the general population, truncating variants in the A-band are the most common cause of dilated cardiomyopathy (DCM) (Herman DS et al. N. Engl. J. Med., 2012 Feb;366:619-28; Roberts AM et al. Sci Transl Med, 2015 Jan;7:270ra6). TTN truncating variants encoded in constitutive exons (PSI >90%) have been found to be significantly associated with DCM regardless of their position in titin (Schafer S et al. Nat. Genet., 2017 01;49:46-53). Based on the majority of available evidence to date, this variant is likely to be pathogenic.

NM_001267550.2(TTN):c.87381_87424dup (p.Thr29142delinsLysLeuSerLeuThrLeuLeuCysTer)

Genes: TTN (titin; minus strand), TTN-AS1 (TTN antisense RNA 1; plus strand). Cytogenetic location: 2q31.2.
Variant type: Duplication.
Coding change: c.87381_87424dup on transcript NM_001267550.2 (MANE Select); coding-DNA positions 87381 to 87424, 44 bases duplicated.
Protein change: p.Thr29142delinsLysLeuSerLeuThrLeuLeuCysTer.
Molecular consequence: nonsense.
Genome position (GRCh38, 1-based): chr2:178,557,930-178,557,973, 44 bases duplicated; duplicating any 44 consecutive bases within chr2:178,557,930-178,557,977 gives the same sequence; the c. name uses the placement nearest the transcript's 3' end. GRCh37 (hg19): chr2:179,422,661-179,422,704.
Other names: c.79677_79720dup, p.Thr26574delinsLysLeuSerLeuThrLeuLeuCysTer (NM_133378.4); c.60561_60604dup, p.Thr20202delinsLysLeuSerLeuThrLeuLeuCysTer (NM_133432.3); c.60762_60805dup, p.Thr20269delinsLysLeuSerLeuThrLeuLeuCysTer (NM_133437.4); c.60186_60229dupAGCTTTCATTAACATTGTTGTGCTAGACAGGCCTGGTCCTCCAA (NM_003319.4); c.82458_82501dup, p.Thr27501delinsLysLeuSerLeuThrLeuLeuCysTer (NM_001256850.1); c.60186_60229dup, p.Thr20077delinsLysLeuSerLeuThrLeuLeuCysTer (NM_003319.4).
Identifiers: ClinVar variation 2447069 (VCV002447069.2), dbSNP rs2469550341, ClinGen allele CA2580064731.